The following is an entry in ClinVar:

ClinVar aggregate classification (germline): Uncertain significance. Review status: criteria provided, multiple submitters, no conflicts (2 of 4 stars). 16 submissions from 15 submitters: Uncertain significance (12). 4 of the submissions do not count toward it. Last evaluated 2026-07-06.

Conditions:
PRKAG2-related disorder. Also called: PRKAG2-related disorders; PRKAG2-related condition.
Cardiovascular phenotype. Identifiers: MedGen CN230736.
Cardiomyopathy (CMYO). Also called: Cardiomyopathies. Identifiers: Orphanet 167848, MedGen C0878544, MONDO:0004994, HP:0001638. Inheritance: Various modes of inheritance.
Wolff-Parkinson-White pattern. Also called: WPW SYNDROME; Auriculoventricular accessory pathway syndrome; False bundle branch block syndrome; Anomalous ventricular excitation syndrome. Identifiers: MedGen C0043202, MONDO:0008685, OMIM 194200, HP:0001716.
Hypertrophic cardiomyopathy 6. Identifiers: MedGen C1833236, MONDO:0010946, OMIM 600858.
Lethal congenital glycogen storage disease of heart. Also called: GLYCOGEN STORAGE DISEASE OF HEART; PHOSPHORYLASE KINASE DEFICIENCY OF HEART. Identifiers: Orphanet 439854, MedGen C1849813, MONDO:0009867, OMIM 261740.
Hypertrophic cardiomyopathy. Also called: HYPERTROPHIC MYOCARDIOPATHY. Identifiers: Orphanet 217569, MedGen C0007194, MeSH D002312, MONDO:0005045, HP:0001639.

Allele frequency attached by ClinVar (database versions not stated): gnomAD 0.00004 and 0.00005; TOPMed 0.00004.
gnomAD v4.1: 80 of 1,613,654 alleles (0.005%); highest among the groups gnomAD compares: Non-Finnish European, 0.0061%; no homozygotes.

Submissions 1 to 7 of 16:

PreventionGenetics, part of Exact Sciences
Classification: Uncertain significance for PRKAG2-related condition. Last evaluated: 2026-07-06. Review status: criteria provided, single submitter. Criteria: ACMG Guidelines, 2015. Collection method: clinical testing. Allele origin: germline.
Comment: The PRKAG2 c.1114G>A variant is predicted to result in the amino acid substitution p.Asp372Asn. This variant was reported in an individual with cardiac arrhythmia (Online Supplementary File 2, van Lint et al. 2019. PubMed ID: 30847666). This variant, along with other rare variants in cardiomyopathy- and/or arrhythmia-associated genes, was also reported in two siblings with dilated cardiomyopathy and premature ventricular contractions (Huang et al. 2022. PubMed ID: 35600473). This variant was reported in 0.0044% of alleles in individuals of European (Non-Finnish) descent in gnomAD and is interpreted as uncertain in ClinVar. At this time, the clinical significance of this variant is uncertain due to the absence of conclusive functional and genetic evidence.

Labcorp Genetics (formerly Invitae), Labcorp
Classification: Uncertain significance for Lethal congenital glycogen storage disease of heart. Last evaluated: 2025-12-21. Review status: criteria provided, single submitter. Criteria: Invitae Variant Classification Sherloc (09022015). Collection method: clinical testing. Allele origin: germline.
Comment: This sequence change replaces aspartic acid, which is acidic and polar, with asparagine, which is neutral and polar, at codon 372 of the PRKAG2 protein (p.Asp372Asn). This variant is present in population databases (rs760826751, gnomAD 0.004%). This missense change has been observed in individual(s) with clinical features of PRKAG2-related conditions (PMID: 30847666, 35600473). ClinVar contains an entry for this variant (Variation ID: 465337). Invitae Evidence Modeling of protein sequence and biophysical properties (such as structural, functional, and spatial information, amino acid conservation, physicochemical variation, residue mobility, and thermodynamic stability) has been performed for this missense variant. However, the output from this modeling did not meet the statistical confidence thresholds required to predict the impact of this variant on PRKAG2 protein function. In summary, the available evidence is currently insufficient to determine the role of this variant in disease. Therefore, it has been classified as a Variant of Uncertain Significance.

All of Us Research Program, National Institutes of Health
Classification: Uncertain significance for Hypertrophic cardiomyopathy. Last evaluated: 2024-09-23. Review status: criteria provided, single submitter. Criteria: ACMG Guidelines, 2015. Collection method: clinical testing. Allele origin: germline. Inheritance: Autosomal dominant inheritance. Observed: 18 variant alleles, 18 heterozygotes.
Comment: This missense variant replaces aspartic acid with asparagine at codon 372 of the PRKAG2 protein. Computational prediction is inconclusive regarding the impact of this variant on protein structure and function (internally defined REVEL score threshold 0.5 < inconclusive < 0.7, PMID: 27666373). To our knowledge, functional studies have not been reported for this variant. This variant has been reported in an individual affected arrhythmia (PMID: 30847666 ). This variant has been identified in 5/251332 chromosomes in the general population by the Genome Aggregation Database (gnomAD). The available evidence is insufficient to determine the role of this variant in disease conclusively. Therefore, this variant is classified as a Variant of Uncertain Significance.

This study involves interpretation of variants in research participants for the purpose of population health screening. Participant phenotype was not available at the time of variant classification. Additional details can be found in publication PMID: 35346344, PMCID: PMC8962531

Ambry Genetics
Classification: Uncertain significance for Cardiovascular phenotype. Last evaluated: 2024-05-17. Review status: criteria provided, single submitter. Criteria: Ambry Variant Classification Scheme 2023. Collection method: clinical testing. Allele origin: germline.
Comment: The p.D372N variant (also known as c.1114G>A), located in coding exon 11 of the PRKAG2 gene, results from a G to A substitution at nucleotide position 1114. The aspartic acid at codon 372 is replaced by asparagine, an amino acid with highly similar properties. This variant was detected in an arrhythmia genetic testing cohort; however, clinical details were limited (van Lint FHM et al. Neth Heart J, 2019 Jun;27:304-309). This variant was also reported in a family with dilated cardiomyopathy (DCM), who also had alterations in other cardiac-related genes (Huang W et al. Front Cardiovasc Med, 2022 May;9:822150). This amino acid position is highly conserved in available vertebrate species. In addition, the in silico prediction for this alteration is inconclusive. Since supporting evidence is limited at this time, the clinical significance of this alteration remains unclear.

Blueprint Genetics
Classification: Uncertain significance. Last evaluated: 2024-04-08. Review status: criteria provided, single submitter. Criteria: ACMG Guidelines, 2015. Collection method: clinical testing. Allele origin: germline.

Color Diagnostics, LLC DBA Color Health
Classification: Uncertain significance for Cardiomyopathy. Last evaluated: 2024-03-22. Review status: criteria provided, single submitter. Criteria: ACMG Guidelines, 2015. Collection method: clinical testing. Allele origin: germline.
Comment: This missense variant replaces aspartic acid with asparagine at codon 372 of the PRKAG2 protein. Computational prediction tools indicate that this variant's impact on protein structure and function is inconclusive. To our knowledge, functional studies have not been reported for this variant. This variant has been reported in one individual affected with arrhythmia (PMID: 30847666 ). This variant has been identified in 5/251332 chromosomes in the general population by the Genome Aggregation Database (gnomAD). The available evidence is insufficient to determine the role of this variant in disease conclusively. Therefore, this variant is classified as a Variant of Uncertain Significance.

Women's Health and Genetics/Laboratory Corporation of America, LabCorp
Classification: Uncertain significance. Last evaluated: 2023-09-13. Review status: criteria provided, single submitter. Criteria: LabCorp Variant Classification Summary - May 2015. Collection method: clinical testing. Allele origin: germline.
Comment: Variant summary: PRKAG2 c.1114G>A (p.Asp372Asn) results in a conservative amino acid change located in the CBS domain of the encoded protein sequence. Three of five in-silico tools predict a damaging effect of the variant on protein function. The variant allele was found at a frequency of 2e-05 in 251332 control chromosomes (gnomAD). The available data on variant occurrences in the general population are insufficient to allow any conclusion about variant significance. c.1114G>A has been reported in the literature in an individual with arrhythmia (van Lint_2019) and in two individuals with dilated cardiomyopathy (DCM) combined with multifocal ectopic Purkinje-related premature contractions (MEPPC) who were also suspected of PRKAG2 syndrome and suffered sudden deaths, however they also harbored a putatively pathogenic variant in SCN5A which was found in other family members with DCM and MEPPC, and their father who also carried the variant of interest (but not the variant in SCN5A) was unaffected (Huang_2022). These reports do not provide unequivocal conclusions about association of the variant with Cardiomyopathy. To our knowledge, no experimental evidence demonstrating an impact on protein function has been reported. The following publications have been ascertained in the context of this evaluation (PMID: 35600473, 30847666). Six submitters have cited clinical-significance assessments for this variant to ClinVar after 2014. All submitters classified the variant as uncertain significance. Based on the evidence outlined above, the variant was classified as uncertain significance.

NM_016203.4(PRKAG2):c.1114G>A (p.Asp372Asn)

Gene: PRKAG2 (protein kinase AMP-activated non-catalytic subunit gamma 2; minus strand). Cytogenetic location: 7q36.1.
Variant type: single nucleotide variant.
Coding change: c.1114G>A on transcript NM_016203.4 (MANE Select); coding-DNA position 1114, G replaced by A.
Protein change: p.Asp372Asn; replaces aspartic acid 372 with asparagine.
Molecular consequence: missense variant.
Genome position (GRCh38, 1-based): chr7:151,568,835, C>T on the plus strand (G>A on the coding strand, the complement: PRKAG2 is on the minus strand). VCF-style: chr7-151568835-C-T. GRCh37 (hg19) VCF-style: chr7-151265921-C-T.
Other names: p.Asp372Asn; c.982G>A, p.Asp328Asn (NM_001040633.2); c.739G>A, p.Asp247Asn (NM_001304527.2); c.391G>A, p.Asp131Asn (NM_001304531.2, NM_024429.2); c.742G>A, p.Asp248Asn (NM_001363698.2); short protein forms D372N, D247N, D328N, D131N, D248N.
Identifiers: ClinVar variation 465337 (VCV000465337.33), dbSNP rs760826751, ClinGen allele CA169166228.